The following is an entry in ClinVar:

ClinVar aggregate classification (germline): Uncertain significance. Review status: criteria provided, multiple submitters, no conflicts (2 of 4 stars). 2 submissions from 2 submitters: Uncertain significance (2). Last evaluated 2024-10-02.

Conditions:
DICER1-related tumor predisposition. Also called: DICER1 syndrome; DICER1-related pleuropulmonary blastoma cancer predisposition syndrome. Identifiers: Orphanet 284343, MedGen C3839822, MONDO:0100216.
Hereditary cancer-predisposing syndrome. Also called: Neoplastic Syndromes, Hereditary; Hereditary neoplastic syndrome; Tumor predisposition; Hereditary Cancer Syndrome. Identifiers: Orphanet 140162, MedGen C0027672, MeSH D009386, MONDO:0015356.

Allele frequency attached by ClinVar (database versions not stated): TOPMed below 0.00001; gnomAD 0.00001.

Submissions (2):

Labcorp Genetics (formerly Invitae), Labcorp
Classification: Uncertain significance for DICER1-related tumor predisposition. Last evaluated: 2024-10-02. Review status: criteria provided, single submitter. Criteria: Invitae Variant Classification Sherloc (09022015). Collection method: clinical testing. Allele origin: germline.
Comment: This sequence change replaces isoleucine, which is neutral and non-polar, with valine, which is neutral and non-polar, at codon 253 of the DICER1 protein (p.Ile253Val). This variant is present in population databases (no rsID available, gnomAD 0.1%). This variant has not been reported in the literature in individuals affected with DICER1-related conditions. ClinVar contains an entry for this variant (Variation ID: 661532). Invitae Evidence Modeling of protein sequence and biophysical properties (such as structural, functional, and spatial information, amino acid conservation, physicochemical variation, residue mobility, and thermodynamic stability) indicates that this missense variant is not expected to disrupt DICER1 protein function with a negative predictive value of 80%. In summary, the available evidence is currently insufficient to determine the role of this variant in disease. Therefore, it has been classified as a Variant of Uncertain Significance.

Ambry Genetics
Classification: Uncertain significance for Hereditary cancer-predisposing syndrome. Last evaluated: 2020-09-16. Review status: criteria provided, single submitter. Criteria: Ambry Variant Classification Scheme 2023. Collection method: clinical testing. Allele origin: germline.
Comment: The p.I253V variant (also known as c.757A>G), located in coding exon 6 of the DICER1 gene, results from an A to G substitution at nucleotide position 757. The isoleucine at codon 253 is replaced by valine, an amino acid with highly similar properties. This amino acid position is well conserved in available vertebrate species. In addition, this alteration is predicted to be tolerated by in silico analysis. Since supporting evidence is limited at this time, the clinical significance of this alteration remains unclear.

NM_177438.3(DICER1):c.757A>G (p.Ile253Val)

Gene: DICER1 (dicer 1, ribonuclease III; minus strand). Cytogenetic location: 14q32.13.
Variant type: single nucleotide variant.
Coding change: c.757A>G on transcript NM_177438.3 (MANE Select); coding-DNA position 757, A replaced by G.
Protein change: p.Ile253Val; replaces isoleucine 253 with valine.
Molecular consequence: missense variant.
Genome position (GRCh38, 1-based): chr14:95,126,726, T>C on the plus strand (A>G on the coding strand, the complement: DICER1 is on the minus strand). VCF-style: chr14-95126726-T-C. GRCh37 (hg19) VCF-style: chr14-95593063-T-C.
Other names: c.757A>G, p.Ile253Val (NM_001195573.1, NM_001271282.3, NM_001291628.2 and 1 more transcripts); short protein forms I253V.
Identifiers: ClinVar variation 661532 (VCV000661532.12), dbSNP rs1418479189, ClinGen allele CA390887897.